The following is an entry in ClinVar:

ClinVar aggregate classification (germline): Uncertain significance (1 of 4 stars; one submission).

Conditions:
Cardiovascular phenotype. Identifiers: MedGen CN230736.

gnomAD v4.1: 18 of 1,591,496 alleles (0.0011%); highest among the groups gnomAD compares: African/African-American, 0.0013%; no homozygotes.

Submission:

Ambry Genetics
Classification: Uncertain significance for Cardiovascular phenotype. Last evaluated: 2025-01-08. Review status: criteria provided, single submitter. Criteria: Ambry Variant Classification Scheme 2023. Collection method: clinical testing. Allele origin: germline.
Comment: The p.R515H variant (also known as c.1544G>A), located in coding exon 14 of the PRDM5 gene, results from a G to A substitution at nucleotide position 1544. The arginine at codon 515 is replaced by histidine, an amino acid with highly similar properties. This amino acid position is highly conserved in available vertebrate species. In addition, the in silico prediction for this alteration is inconclusive. Based on the available evidence, the clinical significance of this variant remains unclear.

NM_018699.4(PRDM5):c.1544G>A (p.Arg515His)

Gene: PRDM5 (PR/SET domain 5; minus strand). Cytogenetic location: 4q27.
Variant type: single nucleotide variant.
Coding change: c.1544G>A on transcript NM_018699.4 (MANE Select); coding-DNA position 1544, G replaced by A.
Protein change: p.Arg515His; replaces arginine 515 with histidine.
Molecular consequence: missense variant. On other transcripts: intron variant (1).
Genome position (GRCh38, 1-based): chr4:120,754,632, C>T on the plus strand (G>A on the coding strand, the complement: PRDM5 is on the minus strand). VCF-style: chr4-120754632-C-T. GRCh37 (hg19) VCF-style: chr4-121675787-C-T.
Other names: c.1451G>A, p.Arg484His (NM_001300823.2, NM_001379106.1); c.1577G>A, p.Arg526His (NM_001379104.1); c.1444+22556G>A (NM_001300824.2); short protein forms R515H, R484H, R526H.
Identifiers: ClinVar variation 3783070 (VCV003783070.1).